The following is an entry in ClinVar:

ClinVar aggregate classification (germline): Likely benign (1 of 4 stars; one submission).

Conditions:
EFR3A-related disorder. Also called: EFR3A-related condition.

gnomAD v4.1: 214 of 1,606,280 alleles (0.013%); highest among the groups gnomAD compares: African/African-American, 0.26%; no homozygotes.

Submission:

PreventionGenetics, part of Exact Sciences
Classification: Likely benign for EFR3A-related condition. Last evaluated: 2025-08-07. Review status: criteria provided, single submitter. Criteria: ACMG Guidelines, 2015. Collection method: clinical testing. Allele origin: germline.
Comment: This variant is classified as likely benign based on ACMG/AMP sequence variant interpretation guidelines (Richards et al. 2015 PMID: 25741868, with internal and published modifications).

NM_015137.6(EFR3A):c.83C>T (p.Pro28Leu)

Gene: EFR3A (EFR3 homolog A; plus strand). Cytogenetic location: 8q24.22.
Variant type: single nucleotide variant.
Coding change: c.83C>T on transcript NM_015137.6 (MANE Select); coding-DNA position 83, C replaced by T.
Protein change: p.Pro28Leu; replaces proline 28 with leucine.
Molecular consequence: missense variant. On other transcripts: 5 prime UTR variant (5), non-coding transcript variant (2).
Genome position (GRCh38, 1-based): chr8:131,940,571, C>T. VCF-style: chr8-131940571-C-T. GRCh37 (hg19) VCF-style: chr8-132952818-C-T.
Other names: c.-95C>T (NM_001323553.2, NM_001323555.2, NM_001323557.2); c.-26C>T (NM_001323554.2, NM_001323556.2); c.83C>T, p.Pro28Leu (NM_001323558.2); short protein forms P28L.
Identifiers: ClinVar variation 4978495 (VCV004978495.1).